The following is an entry in ClinVar:

NM_017636.4(TRPM4):c.539G>C (p.Gly180Ala)

Gene: TRPM4 (transient receptor potential cation channel subfamily M member 4; plus strand). Cytogenetic location: 19q13.33.
Variant type: single nucleotide variant.
Coding change: c.539G>C on transcript NM_017636.4 (MANE Select); coding-DNA position 539, G replaced by C.
Protein change: p.Gly180Ala; replaces glycine 180 with alanine.
Molecular consequence: missense variant. On other transcripts: 5 prime UTR variant (1), intron variant (2).
Genome position (GRCh38, 1-based): chr19:49,168,350, G>C. VCF-style: chr19-49168350-G-C. GRCh37 (hg19) VCF-style: chr19-49671607-G-C.
Other names: c.539G>C, p.Gly180Ala (NM_001195227.2); c.-1015G>C (NM_001321282.2); c.17G>C, p.Gly6Ala (NM_001321283.2); c.268-203G>C (NM_001321281.2); c.-237-203G>C (NM_001321285.2); short protein forms G6A, G180A.
Identifiers: ClinVar variation 5031159 (VCV005031159.1).

ClinVar aggregate classification (germline): Uncertain significance (1 of 4 stars; one submission).

Conditions:
Cardiovascular phenotype. Identifiers: MedGen CN230736.

gnomAD v4.1: 1 of 1,614,002 alleles (0.000062%); highest among the groups gnomAD compares: Non-Finnish European, 0.000085%; no homozygotes.

Submission:

Ambry Genetics
Classification: Uncertain significance for Cardiovascular phenotype. Last evaluated: 2026-09-04. Review status: criteria provided, single submitter. Criteria: Ambry Variant Classification Scheme 2023. Collection method: clinical testing. Allele origin: germline.
Comment: The p.G180A variant (also known as c.539G>C), located in coding exon 5 of the TRPM4 gene, results from a G to C substitution at nucleotide position 539. The glycine at codon 180 is replaced by alanine, an amino acid with similar properties. This amino acid position is conserved. In addition, this alteration is predicted to be tolerated by in silico analysis. Based on the available evidence, the clinical significance of this variant remains unclear.